The following is an entry in ClinVar:

NM_001114122.3(CHEK1):c.676dup (p.Thr226fs)

Gene: CHEK1 (checkpoint kinase 1; plus strand). Cytogenetic location: 11q24.2.
Variant type: Duplication.
Coding change: c.676dup on transcript NM_001114122.3 (MANE Select); coding-DNA position 676, one base duplicated (A; older notation c.676dupA).
Protein change: p.Thr226fs; shifts the reading frame from threonine 226.
Molecular consequence: frameshift variant. On other transcripts: non-coding transcript variant (2).
Genome position (GRCh38, 1-based): chr11:125,635,491, A duplicated; the last of 9 consecutive A bases (chr11:125,635,483-125,635,491); duplicating any one gives the same sequence. VCF-style (leftmost placement, unchanged base first): chr11-125635482-G-GA. GRCh37 (hg19) VCF-style: chr11-125505377-G-GA.
Other names: c.676dup, p.Thr226fs (NM_001114121.2, NM_001244846.1, NM_001274.5); c.373dup, p.Thr125fs (NM_001330427.2); c.394dup, p.Thr132fs (NM_001330428.1); short protein forms T125fs, T132fs, T226fs.
Identifiers: ClinVar variation 3059197 (VCV003059197.2), dbSNP rs757716680, ClinGen allele CA6349480.

ClinVar aggregate classification (germline): Likely benign (0 of 4 stars; one submission).

Conditions:
CHEK1-related disorder. Also called: CHEK1-related condition.

Submission:

PreventionGenetics, part of Exact Sciences
Classification: Likely benign for CHEK1-related condition. Last evaluated: 2020-05-15. Review status: no assertion criteria provided. Collection method: clinical testing. Allele origin: germline.
Comment: This variant is classified as likely benign based on ACMG/AMP sequence variant interpretation guidelines (Richards et al. 2015 PMID: 25741868, with internal and published modifications).